The following is an entry in ClinVar:

ClinVar aggregate classification (germline): Benign/Likely benign. Review status: criteria provided, multiple submitters, no conflicts (2 of 4 stars). 3 submissions from 3 submitters: Benign (1); Likely benign (2). Last evaluated 2026-08-01.

Allele frequency attached by ClinVar (database versions not stated): 1000 Genomes Project 0.00040; 1000 Genomes Project 30x 0.00047; ESP Exome Variant Server 0.00256; gnomAD 0.00285 and 0.00292; TOPMed 0.00306; gnomAD exomes 0.00324 and 0.00448; ExAC 0.00361.

Submissions (3):

CeGaT Center for Human Genetics Tuebingen
Classification: Likely benign. Last evaluated: 2026-08-01. Review status: criteria provided, single submitter. Criteria: CeGaT Center For Human Genetics Tuebingen Variant Classification Criteria Version 2. Collection method: clinical testing. Allele origin: germline. Affected: yes. Observed: 13 variant alleles.
Comment: HERC1: BP4, BS2

Labcorp Genetics (formerly Invitae), Labcorp
Classification: Benign. Last evaluated: 2026-01-12. Review status: criteria provided, single submitter. Criteria: Invitae Variant Classification Sherloc (09022015). Collection method: clinical testing. Allele origin: germline.

Breakthrough Genomics
Classification: Likely benign. Review status: criteria provided, single submitter. Criteria: ACMG Guidelines, 2015. Collection method: not provided. Allele origin: germline. Inheritance: Autosomal recessive inheritance. Affected: yes.

NM_003922.4(HERC1):c.11967+8A>C

Gene: HERC1 (HECT and RLD domain containing E3 ubiquitin protein ligase family member 1; minus strand). Cytogenetic location: 15q22.31.
Variant type: single nucleotide variant.
Coding change: c.11967+8A>C on transcript NM_003922.4 (MANE Select); 8 bases into the intron after coding-DNA position 11967, A replaced by C.
Molecular consequence: intron variant.
Genome position (GRCh38, 1-based): chr15:63,638,703, T>G on the plus strand (A>C on the coding strand, the complement: HERC1 is on the minus strand). VCF-style: chr15-63638703-T-G. GRCh37 (hg19) VCF-style: chr15-63930902-T-G.
Identifiers: ClinVar variation 783058 (VCV000783058.46), dbSNP rs149825836, ClinGen allele CA7604107.